The following is an entry in ClinVar:

ClinVar aggregate classification (germline): Likely pathogenic (1 of 4 stars; one submission).

Conditions:
Congenital multicore myopathy with external ophthalmoplegia (CMYO1B). Also called: MULTICORE MYOPATHY; MULTIMINICORE DISEASE WITH EXTERNAL OPHTHALMOPLEGIA; Congenital myopathy 1B, autosomal recessive; Minicore myopathy; Minicore myopathy with external ophthalmoplegia. Identifiers: Orphanet 598, Orphanet 98905, MedGen C1850674, MONDO:0009712, OMIM 255320, HP:0003789.

Submission:

Juno Genomics, Hangzhou Juno Genomics, Inc
Classification: Likely pathogenic for Congenital multicore myopathy with external ophthalmoplegia. Review status: criteria provided, single submitter. Criteria: ACMG Guidelines, 2015. Collection method: clinical testing. Allele origin: germline.
Comment: Absent from controls (or at extremely low frequency if recessive) in Genome Aggregation Database.;Null variant in a gene where loss of function (LOF) is a known mechanism of disease.

NM_000540.3(RYR1):c.4298del (p.Tyr1433fs)

Gene: RYR1 (ryanodine receptor 1; plus strand). Cytogenetic location: 19q13.2.
Variant type: Deletion.
Coding change: c.4298del on transcript NM_000540.3 (MANE Select); coding-DNA position 4298, one base deleted (A; older notation c.4298delA).
Protein change: p.Tyr1433fs; shifts the reading frame from tyrosine 1433.
Molecular consequence: frameshift variant.
Genome position (GRCh38, 1-based): chr19:38,477,714, A deleted. VCF-style (leftmost placement, unchanged base first): chr19-38477713-TA-T. GRCh37 (hg19) VCF-style: chr19-38968353-TA-T.
Other names: c.4298del, p.Tyr1433fs (NM_001042723.2); short protein forms Y1433fs.
Identifiers: ClinVar variation 5019460 (VCV005019460.2).